The following is an entry in ClinVar:

ClinVar aggregate classification (germline): Benign (1 of 4 stars; one submission).

Allele frequency attached by ClinVar (database versions not stated): 1000 Genomes Project 0.14967; 1000 Genomes Project 30x 0.15567; gnomAD 0.17913 and 0.18485; TOPMed 0.18328.
gnomAD v4.1: 19,536 of 109,682 alleles (18%); highest among the groups gnomAD compares: African/African-American, 32%; 1,596 homozygotes.

Submission:

GeneDx
Classification: Benign. Last evaluated: 2018-06-14. Review status: criteria provided, single submitter. Criteria: GeneDx Variant Classification (06012015). Collection method: clinical testing. Allele origin: germline. Affected: yes.
Comment: This variant is considered likely benign or benign based on one or more of the following criteria: it is a conservative change, it occurs at a poorly conserved position in the protein, it is predicted to be benign by multiple in silico algorithms, and/or has population frequency not consistent with disease.

NM_004006.3(DMD):c.4519-319A>G

Gene: DMD (dystrophin; minus strand). Cytogenetic location: Xp21.1.
Variant type: single nucleotide variant.
Coding change: c.4519-319A>G on transcript NM_004006.3 (MANE Select); 319 bases into the intron before coding-DNA position 4519, A replaced by G.
Molecular consequence: intron variant.
Genome position (GRCh38, 1-based): chrX:32,386,784, T>C on the plus strand (A>G on the coding strand, the complement: DMD is on the minus strand). VCF-style: chrX-32386784-T-C. GRCh37 (hg19) VCF-style: chrX-32404901-T-C.
Other names: c.4495-319A>G (NM_000109.4); c.496-319A>G (NM_004011.4); c.487-319A>G (NM_004012.4); c.4507-319A>G (NM_004009.3); c.4150-319A>G (NM_004010.3).
Identifiers: ClinVar variation 680539 (VCV000680539.1), dbSNP rs67653684, ClinGen allele CA327984171.
Genomic context (GRCh38, chrX:32,386,784, plus strand): 5'-TTTGTGATATATATATATTTAGTTCTTCAATCAAAGAACATAAATGTCAATTCTGAATTT[T>C]ACATGACTTCTATTTTAAATGTTGGAGTTATATAATTCTAGCCATAAATTTGGATGAATT-3'